The following is an entry in ClinVar:

ClinVar aggregate classification (germline): Uncertain significance. Review status: criteria provided, multiple submitters, no conflicts (2 of 4 stars). 3 submissions from 3 submitters: Uncertain significance (3). Last evaluated 2026-06-30.

Conditions:
Rhabdoid tumor predisposition syndrome 2 (RTPS2). Identifiers: Orphanet 231108, Orphanet 69077, MedGen C2750074, MONDO:0013224, OMIM 613325.
SMARCA4-related disorder. Also called: SMARCA4-related condition.
Hereditary cancer-predisposing syndrome. Also called: Neoplastic Syndromes, Hereditary; Tumor predisposition; Hereditary Cancer Syndrome; Hereditary neoplastic syndrome. Identifiers: Orphanet 140162, MedGen C0027672, MeSH D009386, MONDO:0015356.

Submissions (3):

PreventionGenetics, part of Exact Sciences
Classification: Uncertain significance for SMARCA4-related condition. Last evaluated: 2026-06-30. Review status: criteria provided, single submitter. Criteria: ACMG Guidelines, 2015. Collection method: clinical testing. Allele origin: germline.
Comment: The SMARCA4 c.1210C>G variant is predicted to result in the amino acid substitution p.Leu404Val. To our knowledge, this variant has not been reported in the literature or in a large population database (gnomAD), indicating this variant is rare. At this time, the clinical significance of this variant is uncertain due to the absence of conclusive functional and genetic evidence.

Ambry Genetics
Classification: Uncertain significance for Hereditary cancer-predisposing syndrome. Last evaluated: 2026-04-10. Review status: criteria provided, single submitter. Criteria: Ambry Variant Classification Scheme 2023. Collection method: clinical testing. Allele origin: germline.
Comment: The p.L404V variant (also known as c.1210C>G), located in coding exon 6 of the SMARCA4 gene, results from a C to G substitution at nucleotide position 1210. The leucine at codon 404 is replaced by valine, an amino acid with highly similar properties. This amino acid position is conserved. In addition, this alteration is predicted to be tolerated by in silico analysis. Based on the available evidence, the clinical significance of this variant remains unclear.

Labcorp Genetics (formerly Invitae), Labcorp
Classification: Uncertain significance for Rhabdoid tumor predisposition syndrome 2. Last evaluated: 2024-06-21. Review status: criteria provided, single submitter. Criteria: Invitae Variant Classification Sherloc (09022015). Collection method: clinical testing. Allele origin: germline.
Comment: This sequence change replaces leucine, which is neutral and non-polar, with valine, which is neutral and non-polar, at codon 404 of the SMARCA4 protein (p.Leu404Val). This variant is not present in population databases (gnomAD no frequency). This variant has not been reported in the literature in individuals affected with SMARCA4-related conditions. Advanced modeling of protein sequence and biophysical properties (such as structural, functional, and spatial information, amino acid conservation, physicochemical variation, residue mobility, and thermodynamic stability) performed at Invitae indicates that this missense variant is not expected to disrupt SMARCA4 protein function with a negative predictive value of 95%. In summary, the available evidence is currently insufficient to determine the role of this variant in disease. Therefore, it has been classified as a Variant of Uncertain Significance.

NM_003072.5(SMARCA4):c.1210C>G (p.Leu404Val)

Gene: SMARCA4 (SWI/SNF related BAF chromatin remodeling complex subunit ATPase 4; plus strand). Cytogenetic location: 19p13.2.
Variant type: single nucleotide variant.
Coding change: c.1210C>G on transcript NM_003072.5 (MANE Select); coding-DNA position 1210, C replaced by G.
Protein change: p.Leu404Val; replaces leucine 404 with valine.
Molecular consequence: missense variant. On other transcripts: non-coding transcript variant (1).
Genome position (GRCh38, 1-based): chr19:10,989,408, C>G. VCF-style: chr19-10989408-C-G. GRCh37 (hg19) VCF-style: chr19-11100084-C-G.
Other names: c.1210C>G, p.Leu404Val (NM_001128844.3, NM_001128845.2, NM_001128846.2 and 6 more transcripts); c.1210C>G (NM_001128849.1); short protein forms L404V.
Identifiers: ClinVar variation 3676981 (VCV003676981.4).
Genomic context (GRCh38, chr19:10,989,408, plus strand): 5'-GAACTTGAAAACCTTCCCGGGTCCCTGGCCGGGGATTTGCGAACCAAAGCGACCATTGAG[C>G]TCAAGGCCCTCAGGCTGCTGAACTTCCAGAGGCAGGTGGGTGCTGGCATGGCCGCAGCTT-3'
Protein context (NP_003063.2, residues 394-414): GDLRTKATIE[Leu404Val]KALRLLNFQR